The following is an entry in ClinVar:

NM_000038.6(APC):c.3802delinsACACAATATCTTTTT (p.Pro1268fs)

Gene: APC (APC regulator of Wnt signaling pathway; plus strand). Cytogenetic location: 5q22.2.
Variant type: Indel.
Coding change: c.3802delinsACACAATATCTTTTT on transcript NM_000038.6 (MANE Select); coding-DNA position 3802, C replaced by ACACAATATCTTTTT.
Protein change: p.Pro1268fs; shifts the reading frame from proline 1268.
Molecular consequence: frameshift variant.
Genome position (GRCh38, 1-based): chr5:112,839,396, C replaced by ACACAATATCTTTTT. VCF-style: chr5-112839396-C-ACACAATATCTTTTT. GRCh37 (hg19) VCF-style: chr5-112175093-C-ACACAATATCTTTTT.
Other names: c.3802delinsACACAATATCTTTTT, p.Pro1268fs (NM_001127510.3, NM_001354895.2); c.3748delinsACACAATATCTTTTT, p.Pro1250fs (NM_001127511.3); c.3856delinsACACAATATCTTTTT, p.Pro1286fs (NM_001354896.2); c.3832delinsACACAATATCTTTTT, p.Pro1278fs (NM_001354897.2); c.3727delinsACACAATATCTTTTT, p.Pro1243fs (NM_001354898.2); c.3718delinsACACAATATCTTTTT, p.Pro1240fs (NM_001354899.2); c.3679delinsACACAATATCTTTTT, p.Pro1227fs (NM_001354900.2); c.3625delinsACACAATATCTTTTT, p.Pro1209fs (NM_001354901.2); and 16 more; short protein forms P1177fs, P1243fs, P1278fs, P1142fs, P1286fs, P1108fs, P1167fs, P1250fs.
Identifiers: ClinVar variation 2043943 (VCV002043943.4), dbSNP rs2533525547, ClinGen allele CA2580073051.
Genomic context (GRCh38, chr5:112,839,396, plus strand): 5'-ACTTGCAAAGTTTCTTCTATTAACCAAGAAACAATACAGACTTATTGTGTAGAAGATACT[C>ACACAATATCTTTTT]CAATATGTTTTTCAAGATGTAGTTCATTATCATCTTTGTCATCAGCTGAAGATGAAATAG-3'

ClinVar aggregate classification (germline): Pathogenic (1 of 4 stars; one submission).

Conditions:
Familial adenomatous polyposis 1 (FAP1). Also called: FAMILIAL ADENOMATOUS POLYPOSIS 1, ATTENUATED; POLYPOSIS, ADENOMATOUS INTESTINAL. Identifiers: MedGen C2713442, MONDO:0021056, OMIM 175100. Disease mechanism: loss of function.

Submission:

Labcorp Genetics (formerly Invitae), Labcorp
Classification: Pathogenic for Familial adenomatous polyposis 1. Last evaluated: 2021-12-15. Review status: criteria provided, single submitter. Criteria: Invitae Variant Classification Sherloc (09022015). Collection method: clinical testing. Allele origin: germline.
Comment: A different truncation (p.Tyr2645Lysfs*14) that lies downstream of this variant has been determined to be pathogenic (PMID: 9824584, 1316610, 27081525, 8381579, 22135120, Invitae). This suggests that deletion of this region of the APC protein is causative of disease. This sequence change creates a premature translational stop signal (p.Pro1268Thrfs*25) in the APC gene. While this is not anticipated to result in nonsense mediated decay, it is expected to disrupt the last 1576 amino acid(s) of the APC protein. This variant is not present in population databases (gnomAD no frequency). This variant has not been reported in the literature in individuals affected with APC-related conditions. This variant is expected to disrupt the EB1 and HDLG binding sites, which mediate interactions with the cytoskeleton (PMID: 15311282, 17293347). While functional studies have not been performed to directly test the effect on APC protein function, this suggests that disruption of the C-terminal portion of the protein is functionally important. For these reasons, this variant has been classified as Pathogenic.

Literature cited by the submitters: PubMed 9824584; PubMed 1316610; PubMed 27081525; PubMed 8381579; PubMed 22135120; PubMed 15311282; PubMed 17293347.